The following is an entry in ClinVar:

NM_001713.3(BHMT):c.595G>A (p.Gly199Ser)

Gene: BHMT (betaine--homocysteine S-methyltransferase; plus strand). Cytogenetic location: 5q14.1.
Variant type: single nucleotide variant.
Coding change: c.595G>A on transcript NM_001713.3 (MANE Select); coding-DNA position 595, G replaced by A.
Protein change: p.Gly199Ser; replaces glycine 199 with serine.
Molecular consequence: missense variant.
Genome position (GRCh38, 1-based): chr5:79,121,335, G>A. VCF-style: chr5-79121335-G-A. GRCh37 (hg19) VCF-style: chr5-78417158-G-A.
Other names: short protein forms G199S.
Identifiers: ClinVar variation 774306 (VCV000774306.8), dbSNP rs59866108, ClinGen allele CA3319637.
Genomic context (GRCh38, chr5:79,121,335, plus strand): 5'-AAACCTGTGGCAGCAACCATGTGCATTGGCCCAGAAGGAGATTTGCATGGCGTGCCCCCC[G>A]GCGAGTGTGCAGTGCGCCTGGTGAAAGCAGGTGATGATAGATTTCAATCAGTTTGTGATT-3'
Protein context (NP_001704.2, residues 189-209): PEGDLHGVPP[Gly199Ser]ECAVRLVKAG

ClinVar aggregate classification (germline): Benign/Likely benign. Review status: criteria provided, multiple submitters, no conflicts (2 of 4 stars). 3 submissions from 3 submitters: Benign (2); Likely benign (1). Last evaluated 2026-01-01.

Allele frequency attached by ClinVar (database versions not stated): 1000 Genomes Project 0.00240; 1000 Genomes Project 30x 0.00265; TOPMed 0.00503; ESP Exome Variant Server 0.00546.
gnomAD v4.1: 12,097 of 1,614,174 alleles (0.75%); highest among the groups gnomAD compares: Non-Finnish European, 0.92%; 67 homozygotes.

Submissions (3):

CeGaT Center for Human Genetics Tuebingen
Classification: Likely benign. Last evaluated: 2026-01-01. Review status: criteria provided, single submitter. Criteria: CeGaT Center For Human Genetics Tuebingen Variant Classification Criteria Version 2. Collection method: clinical testing. Allele origin: germline. Affected: yes. Observed: 1 variant allele.
Comment: BHMT: BS2

Labcorp Genetics (formerly Invitae), Labcorp
Classification: Benign. Last evaluated: 2018-06-16. Review status: criteria provided, single submitter. Criteria: Invitae Variant Classification Sherloc (09022015). Collection method: clinical testing. Allele origin: germline.

Breakthrough Genomics
Classification: Benign. Review status: criteria provided, single submitter. Criteria: ACMG Guidelines, 2015. Collection method: not provided. Allele origin: germline. Inheritance: Unknown mechanism. Affected: yes.